The following is an entry in ClinVar:

ClinVar aggregate classification (germline): Conflicting classifications of pathogenicity. Review status: criteria provided, conflicting classifications (1 of 4 stars). 3 submissions from 3 submitters: Uncertain significance (1); Likely benign (2). Last evaluated 2025-10-18.

Conditions:
Maturity-onset diabetes of the young type 7 (MODY7). Identifiers: Orphanet 552, MedGen C1864839, MONDO:0012513, OMIM 610508.
Monogenic diabetes. Identifiers: Orphanet 183625, MedGen C3888631, MONDO:0015967.

Allele frequency attached by ClinVar (database versions not stated): gnomAD exomes 0.00005 and 0.00013; ExAC 0.00015; gnomAD 0.00046 and 0.00048; ESP Exome Variant Server 0.00054; 1000 Genomes Project 0.00060; 1000 Genomes Project 30x 0.00062; TOPMed 0.00062.
gnomAD v4.1: 142 of 1,602,042 alleles (0.0089%); highest among the groups gnomAD compares: African/African-American, 0.17%; no homozygotes.

Submissions (3):

Labcorp Genetics (formerly Invitae), Labcorp
Classification: Likely benign. Last evaluated: 2025-10-18. Review status: criteria provided, single submitter. Criteria: Invitae Variant Classification Sherloc (09022015). Collection method: clinical testing. Allele origin: germline.

Illumina Laboratory Services, Illumina
Classification: Likely benign for Maturity-onset diabetes of the young type 7. Last evaluated: 2018-01-13. Review status: criteria provided, single submitter. Criteria: ICSL Variant Classification Criteria 13 December 2019. Collection method: clinical testing. Allele origin: germline.
Comment: This variant was observed in the ICSL laboratory as part of a predisposition screen in an ostensibly healthy population. It had not been previously curated by ICSL or reported in the Human Gene Mutation Database (HGMD: prior to June 1st, 2018), and was therefore a candidate for classification through an automated scoring system. Utilizing variant allele frequency, disease prevalence and penetrance estimates, and inheritance mode, an automated score was calculated to assess if this variant is too frequent to cause the disease. Based on the score and internal cut-off values, a variant classified as likely benign is not then subjected to further curation. The score for this variant resulted in a classification of likely benign for this disease.

Personalized Diabetes Medicine Program, University of Maryland School of Medicine
Classification: Uncertain significance for Monogenic diabetes. Last evaluated: 2016-02-12. Review status: criteria provided, single submitter. Criteria: ACMG Guidelines, 2015. Collection method: research. Allele origin: unknown. Observed: 1 variant allele, 1 heterozygote.
Comment: ACMG Criteria: PP3, BP4

NM_003597.5(KLF11):c.953T>G (p.Leu318Arg)

Gene: KLF11 (KLF transcription factor 11; plus strand). Cytogenetic location: 2p25.1.
Variant type: single nucleotide variant.
Coding change: c.953T>G on transcript NM_003597.5 (MANE Select); coding-DNA position 953, T replaced by G.
Protein change: p.Leu318Arg; replaces leucine 318 with arginine.
Molecular consequence: missense variant.
Genome position (GRCh38, 1-based): chr2:10,048,290, T>G. VCF-style: chr2-10048290-T-G. GRCh37 (hg19) VCF-style: chr2-10188417-T-G.
Other names: c.902T>G, p.Leu301Arg (NM_001177716.2, NM_001177718.2); short protein forms L318R, L301R.
Identifiers: ClinVar variation 393368 (VCV000393368.9), dbSNP rs144431930, ClinGen allele CA1525645.